The following is an entry in ClinVar:

NM_152564.5(VPS13B):c.7248C>T (p.Ser2416=)

Gene: VPS13B (vacuolar protein sorting 13 homolog B; plus strand). Cytogenetic location: 8q22.2.
Variant type: single nucleotide variant.
Coding change: c.7248C>T on transcript NM_152564.5 (MANE Select); coding-DNA position 7248, C replaced by T.
Protein change: p.Ser2416=; no amino-acid change (serine 2416 retained).
Molecular consequence: synonymous variant.
Genome position (GRCh38, 1-based): chr8:99,776,775, C>T. VCF-style: chr8-99776775-C-T. GRCh37 (hg19) VCF-style: chr8-100789003-C-T.
Other names: c.7323C>T, p.Ser2441= (NM_017890.5); c.7248C>T (NM_152564.4).
Identifiers: ClinVar variation 285793 (VCV000285793.11), dbSNP rs886043216, ClinGen allele CA10605252.

ClinVar aggregate classification (germline): Uncertain significance. Review status: criteria provided, multiple submitters, no conflicts (2 of 4 stars). 3 submissions from 3 submitters: Uncertain significance (2). 1 of the submissions does not count toward it. Last evaluated 2022-07-12.

Conditions:
VPS13B-related disorder. Also called: VPS13B-related condition.
Cohen syndrome (COH1). Also called: PEPPER SYNDROME; Cutis verticis gyrata, retinitis pigmentosa, and sensorineural deafness. Identifiers: Orphanet 193, MedGen C0265223, MONDO:0008999, OMIM 216550.

Allele frequency attached by ClinVar (database versions not stated): gnomAD exomes 0.00001 and 0.00002; gnomAD 0.00003.
gnomAD v4.1: 20 of 1,614,018 alleles (0.0012%); highest among the groups gnomAD compares: Non-Finnish European, 0.0017%; no homozygotes.

Submissions (3):

Labcorp Genetics (formerly Invitae), Labcorp
Classification: Uncertain significance for Cohen syndrome. Last evaluated: 2022-07-12. Review status: criteria provided, single submitter. Criteria: Invitae Variant Classification Sherloc (09022015). Collection method: clinical testing. Allele origin: germline.
Comment: This sequence change affects codon 2441 of the VPS13B mRNA. It is a 'silent' change, meaning that it does not change the encoded amino acid sequence of the VPS13B protein. It affects a nucleotide within the consensus splice site. This variant is present in population databases (no rsID available, gnomAD 0.004%). This variant has not been reported in the literature in individuals affected with VPS13B-related conditions. ClinVar contains an entry for this variant (Variation ID: 285793). Algorithms developed to predict the effect of sequence changes on RNA splicing suggest that this variant is not likely to affect RNA splicing. In summary, the available evidence is currently insufficient to determine the role of this variant in disease. Therefore, it has been classified as a Variant of Uncertain Significance.

Eurofins Ntd Llc (ga)
Classification: Uncertain significance. Last evaluated: 2016-01-28. Review status: criteria provided, single submitter. Criteria: EGL Classification Definitions 2015. Collection method: clinical testing. Allele origin: germline. Observed: 1 variant allele, 1 heterozygote.

PreventionGenetics, part of Exact Sciences
Classification: Likely benign for VPS13B-related condition. Last evaluated: 2023-07-31. Review status: no assertion criteria provided. Collection method: clinical testing. Allele origin: germline. Not counted in ClinVar's aggregate classification.
Comment: This variant is classified as likely benign based on ACMG/AMP sequence variant interpretation guidelines (Richards et al. 2015 PMID: 25741868, with internal and published modifications).